The following is an entry in ClinVar:

NM_001348768.2(HECW2):c.94G>T (p.Ala32Ser)

Gene: HECW2 (HECT, C2 and WW domain containing E3 ubiquitin protein ligase 2; minus strand). Cytogenetic location: 2q32.3.
Variant type: single nucleotide variant.
Coding change: c.94G>T on transcript NM_001348768.2 (MANE Select); coding-DNA position 94, G replaced by T.
Protein change: p.Ala32Ser; replaces alanine 32 with serine.
Molecular consequence: missense variant.
Genome position (GRCh38, 1-based): chr2:196,433,330, C>A on the plus strand (G>T on the coding strand, the complement: HECW2 is on the minus strand). VCF-style: chr2-196433330-C-A. GRCh37 (hg19) VCF-style: chr2-197298054-C-A.
Other names: c.94G>T, p.Ala32Ser (NM_020760.4); short protein forms A32S.
Identifiers: ClinVar variation 3771914 (VCV003771914.13).

ClinVar aggregate classification (germline): Uncertain significance (1 of 4 stars; one submission).

Submission:

CeGaT Center for Human Genetics Tuebingen
Classification: Uncertain significance. Last evaluated: 2024-12-01. Review status: criteria provided, single submitter. Criteria: CeGaT Center For Human Genetics Tuebingen Variant Classification Criteria Version 2. Collection method: clinical testing. Allele origin: germline. Affected: yes. Observed: 1 variant allele.
Comment: HECW2: PM2, BP4